The following is an entry in ClinVar:

NM_000238.4(KCNH2):c.2634_2643del (p.Gly879fs)

Gene: KCNH2 (potassium voltage-gated channel subfamily H member 2; minus strand). Cytogenetic location: 7q36.1.
Variant type: Deletion.
Coding change: c.2634_2643del on transcript NM_000238.4 (MANE Select); coding-DNA positions 2634 to 2643, 10 bases deleted (GGGTGGCTTC; older notation c.2634_2643delGGGTGGCTTC).
Protein change: p.Gly879fs; shifts the reading frame from glycine 879.
Molecular consequence: frameshift variant.
Genome position (GRCh38, 1-based): chr7:150,948,493-150,948,502, GAAGCCACCC deleted on the plus strand (GGGTGGCTTC on the coding strand, the reverse complement: KCNH2 is on the minus strand). VCF-style (leftmost placement, unchanged base first): chr7-150948492-TGAAGCCACCC-T. GRCh37 (hg19) VCF-style: chr7-150645580-TGAAGCCACCC-T.
Other names: c.1614_1623del, p.Gly539fs (NM_172057.3); short protein forms G539fs, G879fs.
Identifiers: ClinVar variation 846538 (VCV000846538.7), dbSNP rs1801008727, ClinGen allele CA916080385.
Genomic context (GRCh38, chr7:150,948,492, plus strand): 5'-CCCCCGCCTCACCCTTGTCCGTGCGCCTGCGGAAGGACAACTTGCGCTTGCGTTGCCGAC[TGAAGCCACCC>T]TCTAACTCCGTACTGCCGGGGGAGCCCGGGATCATGTTGGTCTGGAACCAAAATCAGTAT-3'

ClinVar aggregate classification (germline): Pathogenic (1 of 4 stars; one submission).

Conditions:
Long QT syndrome (LQTS). Identifiers: MedGen C0023976, MeSH D008133, MONDO:0002442. Disease mechanism: loss of function. Inheritance: Various modes of inheritance.

Submission:

Labcorp Genetics (formerly Invitae), Labcorp
Classification: Pathogenic for Long QT syndrome. Last evaluated: 2023-11-17. Review status: criteria provided, single submitter. Criteria: Invitae Variant Classification Sherloc (09022015). Collection method: clinical testing. Allele origin: germline.
Comment: This sequence change creates a premature translational stop signal (p.Gly879Valfs*92) in the KCNH2 gene. It is expected to result in an absent or disrupted protein product. Loss-of-function variants in KCNH2 are known to be pathogenic (PMID: 10973849, 19862833). This variant is not present in population databases (gnomAD no frequency). This variant has not been reported in the literature in individuals affected with KCNH2-related conditions. ClinVar contains an entry for this variant (Variation ID: 846538). For these reasons, this variant has been classified as Pathogenic.

Literature cited by the submitters: PubMed 10973849; PubMed 19862833.